The following is an entry in ClinVar:

ClinVar aggregate classification (germline): Uncertain significance (1 of 4 stars; one submission).

Conditions:
Lessel-Kreienkamp syndrome. Identifiers: MedGen C5436892, MONDO:0030897, OMIM 619149.

Submission:

MVZ Medizinische Genetik Mainz
Classification: Uncertain significance for Lessel-Kreienkamp syndrome. Last evaluated: 2022-04-06. Review status: criteria provided, single submitter. Criteria: UK Practice Guidelines For Variant Classification V4 01 2020. Collection method: clinical testing. Allele origin: germline. Inheritance: Autosomal dominant inheritance. Affected: yes. Observed: 1 variant allele.
Comment: ACMG Criteria: PM2_SUP, PP2, PP3, BS2 (ACMG Version 3)

NM_012154.5(AGO2):c.277G>A (p.Val93Met)

Gene: AGO2 (argonaute RISC catalytic component 2; minus strand). Cytogenetic location: 8q24.3.
Variant type: single nucleotide variant.
Coding change: c.277G>A on transcript NM_012154.5 (MANE Select); coding-DNA position 277, G replaced by A.
Protein change: p.Val93Met; replaces valine 93 with methionine.
Molecular consequence: missense variant.
Genome position (GRCh38, 1-based): chr8:140,572,871, C>T on the plus strand (G>A on the coding strand, the complement: AGO2 is on the minus strand). VCF-style: chr8-140572871-C-T. GRCh37 (hg19) VCF-style: chr8-141582970-C-T.
Other names: c.277G>A, p.Val93Met (NM_001164623.3); short protein forms V93M.
Identifiers: ClinVar variation 3236764 (VCV003236764.1), dbSNP rs2549634114.
Genomic context (GRCh38, chr8:140,572,871, plus strand): 5'-CCTTGTCCCTCCCAATCGGAAGGGGCATGGCTGTGTATAGATTCTTCCTGCCGTCAAACA[C>T]GGGCTTCCGATCCCCAAAGATCTGTGTTTTAAAGTGCTGGACCATGTGTTCCACGATTTC-3'
Protein context (NP_036286.2, residues 83-103): KTQIFGDRKP[Val93Met]FDGRKNLYTA